The following is an entry in ClinVar:

NM_003049.4(SLC10A1):c.132C>A (p.Cys44Ter)

Gene: SLC10A1 (solute carrier family 10 member 1; minus strand). Cytogenetic location: 14q24.1.
Variant type: single nucleotide variant.
Coding change: c.132C>A on transcript NM_003049.4 (MANE Select); coding-DNA position 132, C replaced by A.
Protein change: p.Cys44Ter; replaces cysteine 44 with a stop codon.
Molecular consequence: nonsense.
Genome position (GRCh38, 1-based): chr14:69,797,024, G>T on the plus strand (C>A on the coding strand, the complement: SLC10A1 is on the minus strand). VCF-style: chr14-69797024-G-T. GRCh37 (hg19) VCF-style: chr14-70263741-G-T.
Other names: c.132C>A (NM_003049.3); short protein forms C44*.
Identifiers: ClinVar variation 595168 (VCV000595168.9), dbSNP rs200809908, ClinGen allele CA7246277.

ClinVar aggregate classification (germline): Conflicting classifications of pathogenicity. Review status: criteria provided, conflicting classifications (1 of 4 stars). 4 submissions from 4 submitters: Likely pathogenic (1); Uncertain significance (2). 1 of the submissions does not count toward it. Last evaluated 2025-03-12.

Conditions:
Hypercholanemia, familial, 2. Also called: NTCP deficiency. Identifiers: MedGen C5543243, MONDO:0031003, OMIM 619256. Disease mechanism: loss of function.
SLC10A1-related disorder. Also called: SLC10A1-related condition.

Allele frequency attached by ClinVar (database versions not stated): TOPMed 0.00002; ExAC 0.00003; gnomAD 0.00005 and 0.00004; gnomAD exomes 0.00002 and 0.00003.
gnomAD v4.1: 40 of 1,614,122 alleles (0.0025%); highest among the groups gnomAD compares: South Asian, 0.018%; no homozygotes.

Submissions (4):

Intergen Genetics and Rare Diseases Diagnosis Center
Classification: Likely pathogenic for Hypercholanemia, familial, 2. Last evaluated: 2025-03-12. Review status: criteria provided, single submitter. Criteria: ACMG Guidelines, 2015. Collection method: clinical testing. Allele origin: germline. Inheritance: Autosomal recessive inheritance. Affected: yes. Observed: 1 homozygote.
Comment: Clinical findings: decreased body weight, persistent neonatal jaundice, hyperbilirubinemia, hepatomegaly, increased level of transaminases and HIDA scan suggestive of biliary atresia/intrahepatic cholestasis. PVS1, PM2_P, PP1

Department of Pathology and Laboratory Medicine, Sinai Health System
Classification: Uncertain significance for Hypercholanemia, familial, 2. Last evaluated: 2022-09-01. Review status: criteria provided, single submitter. Criteria: ACMG Guidelines, 2015. Collection method: research. Allele origin: germline.

Eurofins Ntd Llc (ga)
Classification: Uncertain significance. Last evaluated: 2017-11-27. Review status: criteria provided, single submitter. Criteria: EGL Classification Definitions 2015. Collection method: clinical testing. Allele origin: germline. Observed: 1 variant allele, 1 heterozygote.

PreventionGenetics, part of Exact Sciences
Classification: Likely pathogenic for SLC10A1-related condition. Last evaluated: 2024-01-13. Review status: no assertion criteria provided. Collection method: clinical testing. Allele origin: germline. Not counted in ClinVar's aggregate classification.
Comment: The SLC10A1 c.132C>A variant is predicted to result in premature protein termination (p.Cys44*). To our knowledge, this variant has not been reported in the literature. This variant is reported in 0.013% of alleles in individuals of South Asian descent in gnomAD. Nonsense variants in SLC10A1 are expected to be pathogenic. This variant is interpreted as likely pathogenic.